The following is an entry in ClinVar:

NM_000548.5(TSC2):c.2027G>T (p.Gly676Val)

Gene: TSC2 (TSC complex subunit 2; plus strand). Cytogenetic location: 16p13.3.
Variant type: single nucleotide variant.
Coding change: c.2027G>T on transcript NM_000548.5 (MANE Select); coding-DNA position 2027, G replaced by T.
Protein change: p.Gly676Val; replaces glycine 676 with valine.
Molecular consequence: missense variant.
Genome position (GRCh38, 1-based): chr16:2,071,864, G>T. VCF-style: chr16-2071864-G-T. GRCh37 (hg19) VCF-style: chr16-2121865-G-T.
Other names: c.2027G>T, p.Gly676Val (NM_001077183.3, NM_001114382.3, NM_001363528.2 and 3 more transcripts); c.1916G>T, p.Gly639Val (NM_001318827.2); c.1880G>T, p.Gly627Val (NM_001318829.2); c.1427G>T, p.Gly476Val (NM_001318831.2); c.2060G>T, p.Gly687Val (NM_001318832.2); short protein forms G676V, G687V, G476V, G627V, G639V.
Identifiers: ClinVar variation 486625 (VCV000486625.18), dbSNP rs754556513, ClinGen allele CA035845.

ClinVar aggregate classification (germline): Conflicting classifications of pathogenicity. Review status: criteria provided, conflicting classifications (1 of 4 stars). 6 submissions from 6 submitters: Uncertain significance (5); Benign (1). Last evaluated 2026-01-08.

Conditions:
Tuberous sclerosis syndrome (TSC). Also called: Tuberous Sclerosis Complex; Tuberous sclerosis. Identifiers: Orphanet 805, MedGen C0041341, MONDO:0001734.
Hereditary cancer-predisposing syndrome. Also called: Tumor predisposition; Neoplastic Syndromes, Hereditary; Hereditary Cancer Syndrome; Hereditary neoplastic syndrome. Identifiers: Orphanet 140162, MedGen C0027672, MeSH D009386, MONDO:0015356.
Tuberous sclerosis 2 (TSC2). Identifiers: Orphanet 805, MedGen C1860707, MONDO:0013199, OMIM 613254.

Allele frequency attached by ClinVar (database versions not stated): gnomAD exomes 0.00002; ExAC 0.00009.
gnomAD v4.1: 71 of 1,469,028 alleles (0.0048%); highest among the groups gnomAD compares: Non-Finnish European, 0.0061%; no homozygotes.

Submissions (6):

Labcorp Genetics (formerly Invitae), Labcorp
Classification: Benign for Tuberous sclerosis 2. Last evaluated: 2026-01-08. Review status: criteria provided, single submitter. Criteria: Invitae Variant Classification Sherloc (09022015). Collection method: clinical testing. Allele origin: germline.

Ambry Genetics
Classification: Uncertain significance for Hereditary cancer-predisposing syndrome. Last evaluated: 2024-06-10. Review status: criteria provided, single submitter. Criteria: Ambry Variant Classification Scheme 2023. Collection method: clinical testing. Allele origin: germline.
Comment: The p.G676V variant (also known as c.2027G>T), located in coding exon 18 of the TSC2 gene, results from a G to T substitution at nucleotide position 2027. The glycine at codon 676 is replaced by valine, an amino acid with dissimilar properties. This amino acid position is not well conserved in available vertebrate species. In addition, the in silico prediction for this alteration is inconclusive. Based on the available evidence, the clinical significance of this variant remains unclear.

All of Us Research Program, National Institutes of Health
Classification: Uncertain significance for Tuberous sclerosis syndrome. Last evaluated: 2023-12-18. Review status: criteria provided, single submitter. Criteria: ACMG Guidelines, 2015. Collection method: clinical testing. Allele origin: germline. Inheritance: Autosomal dominant inheritance. Observed: 2 variant alleles, 2 heterozygotes.
Comment: This missense variant replaces glycine with valine at codon 676 of the TSC2 protein. Computational prediction is inconclusive regarding the impact of this variant on protein structure and function (internally defined REVEL score threshold 0.5 < inconclusive < 0.7, PMID: 27666373). To our knowledge, functional studies have not been reported for this variant. This variant has not been reported in individuals affected with TSC2-related disorders in the literature. This variant has been identified in 2/102112 chromosomes in the general population by the Genome Aggregation Database (gnomAD). The available evidence is insufficient to determine the role of this variant in disease conclusively. Therefore, this variant is classified as a Variant of Uncertain Significance.

This study involves interpretation of variants in research participants for the purpose of population health screening. Participant phenotype was not available at the time of variant classification. Additional details can be found in publication PMID: 35346344, PMCID: PMC8962531

Color Diagnostics, LLC DBA Color Health
Classification: Uncertain significance for Tuberous sclerosis syndrome. Last evaluated: 2023-11-15. Review status: criteria provided, single submitter. Criteria: ACMG Guidelines, 2015. Collection method: clinical testing. Allele origin: germline.
Comment: This missense variant replaces glycine with valine at codon 676 of the TSC2 protein. Computational prediction is inconclusive regarding the impact of this variant on protein structure and function. To our knowledge, functional studies have not been reported for this variant. This variant has not been reported in individuals affected with TSC2-related disorders in the literature. This variant has been identified in 2/102112 chromosomes in the general population by the Genome Aggregation Database (gnomAD). The available evidence is insufficient to determine the role of this variant in disease conclusively. Therefore, this variant is classified as a Variant of Uncertain Significance.

GeneDx
Classification: Uncertain significance. Last evaluated: 2022-02-11. Review status: criteria provided, single submitter. Criteria: GeneDx Variant Classification Process June 2021. Collection method: clinical testing. Allele origin: germline. Affected: yes.
Comment: In silico analysis supports that this missense variant does not alter protein structure/function; Has not been previously published as pathogenic or benign to our knowledge

Genome-Nilou Lab
Classification: Uncertain significance for Tuberous sclerosis 2. Last evaluated: 2021-11-07. Review status: criteria provided, single submitter. Criteria: ACMG Guidelines, 2015. Collection method: clinical testing. Allele origin: germline. Affected: no.